The following is an entry in ClinVar:

ClinVar aggregate classification (germline): Pathogenic. Review status: criteria provided, multiple submitters, no conflicts (2 of 4 stars). 2 submissions from 2 submitters: Pathogenic (2). Last evaluated 2025-01-06.

Conditions:
Treacher Collins syndrome 1 (TCS1). Also called: TCOF1-Related Treacher Collins Syndrome. Identifiers: Orphanet 861, MedGen CN315775, MONDO:0007944, OMIM 154500.

Submissions (2):

GeneDx
Classification: Pathogenic. Last evaluated: 2025-01-06. Review status: criteria provided, single submitter. Criteria: GeneDx Variant Classification Process June 2021. Collection method: clinical testing. Allele origin: germline. Affected: yes.
Comment: Nonsense variant predicted to result in protein truncation or nonsense mediated decay in a gene for which loss of function is a known mechanism of disease; Not observed at significant frequency in large population cohorts (gnomAD); This variant is associated with the following publications: (PMID: 25790162)

Labcorp Genetics (formerly Invitae), Labcorp
Classification: Pathogenic for Treacher Collins syndrome 1. Last evaluated: 2023-11-10. Review status: criteria provided, single submitter. Criteria: Invitae Variant Classification Sherloc (09022015). Collection method: clinical testing. Allele origin: germline.
Comment: This sequence change creates a premature translational stop signal (p.Trp1342*) in the TCOF1 gene. It is expected to result in an absent or disrupted protein product. Loss-of-function variants in TCOF1 are known to be pathogenic (PMID: 8894686, 22317976). This variant is not present in population databases (gnomAD no frequency). This premature translational stop signal has been observed in individual(s) with Treacher-Collins syndrome (PMID: 25790162). For these reasons, this variant has been classified as Pathogenic.

Literature cited by the submitters: PubMed 8894686 (cited by Labcorp Genetics (formerly Invitae), Labcorp); PubMed 22317976 (cited by Labcorp Genetics (formerly Invitae), Labcorp); PubMed 25790162 (cited by Labcorp Genetics (formerly Invitae), Labcorp).

NM_001371623.1(TCOF1):c.4029G>A (p.Trp1343Ter)

Gene: TCOF1 (treacle ribosome biogenesis factor 1; plus strand). Cytogenetic location: 5q32.
Variant type: single nucleotide variant.
Coding change: c.4029G>A on transcript NM_001371623.1 (MANE Select); coding-DNA position 4029, G replaced by A.
Protein change: p.Trp1343Ter; replaces tryptophan 1343 with a stop codon.
Molecular consequence: nonsense.
Genome position (GRCh38, 1-based): chr5:150,396,526, G>A. VCF-style: chr5-150396526-G-A. GRCh37 (hg19) VCF-style: chr5-149776089-G-A.
Other names: c.3795G>A, p.Trp1265Ter (NM_000356.4); c.4026G>A, p.Trp1342Ter (NM_001135243.2); c.3915G>A, p.Trp1305Ter (NM_001135244.2); c.3798G>A, p.Trp1266Ter (NM_001135245.2); c.3912G>A, p.Trp1304Ter (NM_001195141.2); c.4026G>A (NM_001135243.1); short protein forms W1305*, W1265*, W1342*, W1343*, W1266*, W1304*.
Identifiers: ClinVar variation 2734807 (VCV002734807.4), dbSNP rs2534537041, ClinGen allele CA361742226.